The following is an entry in ClinVar:

ClinVar aggregate classification (germline): Benign (1 of 4 stars; one submission).

Allele frequency attached by ClinVar (database versions not stated): 1000 Genomes Project 30x 0.68254; TOPMed 0.68678; gnomAD 0.69200 and 0.68814; 1000 Genomes Project 0.69050.
gnomAD v4.1: 104,998 of 151,740 alleles (69%); highest among the groups gnomAD compares: Admixed American, 77%; 36,875 homozygotes.

Submission:

GeneDx
Classification: Benign. Last evaluated: 2018-06-14. Review status: criteria provided, single submitter. Criteria: GeneDx Variant Classification (06012015). Collection method: clinical testing. Allele origin: germline. Affected: yes.
Comment: This variant is considered likely benign or benign based on one or more of the following criteria: it is a conservative change, it occurs at a poorly conserved position in the protein, it is predicted to be benign by multiple in silico algorithms, and/or has population frequency not consistent with disease.

NM_001377.3(DYNC2H1):c.5334+250T>C

Gene: DYNC2H1 (dynein cytoplasmic 2 heavy chain 1; plus strand). Cytogenetic location: 11q22.3.
Variant type: single nucleotide variant.
Coding change: c.5334+250T>C on transcript NM_001377.3 (MANE Select); 250 bases into the intron after coding-DNA position 5334, T replaced by C.
Molecular consequence: intron variant.
Genome position (GRCh38, 1-based): chr11:103,171,318, T>C. VCF-style: chr11-103171318-T-C. GRCh37 (hg19) VCF-style: chr11-103042047-T-C.
Other names: c.5334+250T>C (NM_001080463.2).
Identifiers: ClinVar variation 667714 (VCV000667714.1), dbSNP rs1299224, ClinGen allele CA13394857.
Genomic context (GRCh38, chr11:103,171,318, plus strand): 5'-ATTCTTTTTTTTTGGGGGACAGAGTTTTGCTCTTGTTGCCCAGGCTGGAGTGCAGTGGTG[T>C]GATCTTGGCTCACTGCCACCTCTGCCTCCCAGGTTCAAGCGATTCTCCTGCCTTAGCCTC-3'